The following is an entry in ClinVar:

ClinVar aggregate classification (germline): Uncertain significance (1 of 4 stars; one submission).

Submission:

GeneDx
Classification: Uncertain significance. Last evaluated: 2025-03-21. Review status: criteria provided, single submitter. Criteria: GeneDx Variant Classification Process June 2021. Collection method: clinical testing. Allele origin: germline. Affected: yes.
Comment: Not observed at significant frequency in large population cohorts (gnomAD); In silico analysis supports that this missense variant has a deleterious effect on protein structure/function; In silico analysis is inconclusive as to whether the variant alters gene splicing. In the absence of RNA/functional studies, the actual effect of this sequence change is unknown.; Has not been previously published as pathogenic or benign to our knowledge

NM_001205293.3(CACNA1E):c.6400G>A (p.Gly2134Ser)

Gene: CACNA1E (calcium voltage-gated channel subunit alpha1 E; plus strand). Cytogenetic location: 1q25.3.
Variant type: single nucleotide variant.
Coding change: c.6400G>A on transcript NM_001205293.3 (MANE Select); coding-DNA position 6400, G replaced by A.
Protein change: p.Gly2134Ser; replaces glycine 2134 with serine.
Molecular consequence: missense variant.
Genome position (GRCh38, 1-based): chr1:181,798,292, G>A. VCF-style: chr1-181798292-G-A. GRCh37 (hg19) VCF-style: chr1-181767428-G-A.
Other names: c.6271G>A, p.Gly2091Ser (NM_000721.4); c.6214G>A, p.Gly2072Ser (NM_001205294.2); short protein forms G2072S, G2091S, G2134S.
Identifiers: ClinVar variation 4086784 (VCV004086784.1).